The following is an entry in ClinVar:

ClinVar aggregate classification (germline): Uncertain significance (1 of 4 stars; one submission).

Allele frequency attached by ClinVar (database versions not stated): TOPMed below 0.00001; gnomAD 0.00001.
gnomAD v4.1: 1 of 1,610,796 alleles (0.000062%); highest among the groups gnomAD compares: Non-Finnish European, 0.000085%; no homozygotes.

Submission:

GeneDx
Classification: Uncertain significance. Last evaluated: 2019-11-11. Review status: criteria provided, single submitter. Criteria: GeneDx Variant Classification Process June 2021. Collection method: clinical testing. Allele origin: germline. Affected: yes.
Comment: Not observed at a significant frequency in large population cohorts (Lek et al., 2016); In silico analysis, which includes protein predictors and evolutionary conservation, supports a deleterious effect; Has not been previously published as pathogenic or benign to our knowledge

NM_016532.4(INPP5K):c.279G>A (p.Met93Ile)

Gene: INPP5K (inositol polyphosphate-5-phosphatase K; minus strand). Cytogenetic location: 17p13.3.
Variant type: single nucleotide variant.
Coding change: c.279G>A on transcript NM_016532.4 (MANE Select); coding-DNA position 279, G replaced by A.
Protein change: p.Met93Ile; replaces methionine 93 with isoleucine.
Molecular consequence: missense variant.
Genome position (GRCh38, 1-based): chr17:1,509,782, C>T on the plus strand (G>A on the coding strand, the complement: INPP5K is on the minus strand). VCF-style: chr17-1509782-C-T. GRCh37 (hg19) VCF-style: chr17-1413076-C-T.
Other names: c.51G>A, p.Met17Ile (NM_001135642.2, NM_130766.3); short protein forms M17I, M93I.
Identifiers: ClinVar variation 1309634 (VCV001309634.2), dbSNP rs1431680882, ClinGen allele CA397547657.
Genomic context (GRCh38, chr17:1,509,782, plus strand): 5'-CAGAATCTGGATATAGGGCAAATGCTGATACTTGGCAAAGACCAGTAAGAGGATCCCCTG[C>T]ATACGGACATGGGAGACCTGCAGGAGAGAGAGGGCAAAGGTCGCTCATTAAACCACACAG-3'
Protein context (NP_057616.2, residues 83-103): LSFIKVSHVR[Met93Ile]QGILLLVFAK